The following is an entry in ClinVar:

ClinVar aggregate classification (germline): Uncertain significance (1 of 4 stars; one submission).

gnomAD v4.1: 18 of 1,613,264 alleles (0.0011%); highest among the groups gnomAD compares: East Asian, 0.04%; 1 homozygote.

Submission:

Labcorp Genetics (formerly Invitae), Labcorp
Classification: Uncertain significance. Last evaluated: 2024-09-06. Review status: criteria provided, single submitter. Criteria: Invitae Variant Classification Sherloc (09022015). Collection method: clinical testing. Allele origin: germline.
Comment: This sequence change falls in intron 8 of the IMPDH1 gene. It does not directly change the encoded amino acid sequence of the IMPDH1 protein. It affects a nucleotide within the consensus splice site. This variant is present in population databases (rs770587552, gnomAD 0.006%). This variant has not been reported in the literature in individuals affected with IMPDH1-related conditions. Variants that disrupt the consensus splice site are a relatively common cause of aberrant splicing (PMID: 17576681, 9536098). Algorithms developed to predict the effect of sequence changes on RNA splicing suggest that this variant is not likely to affect RNA splicing. In summary, the available evidence is currently insufficient to determine the role of this variant in disease. Therefore, it has been classified as a Variant of Uncertain Significance.

Literature cited by the submitters: PubMed 17576681; PubMed 9536098.

NM_000883.4(IMPDH1):c.786+4C>G

Gene: IMPDH1 (inosine monophosphate dehydrogenase 1; minus strand). Cytogenetic location: 7q32.1.
Variant type: single nucleotide variant.
Coding change: c.786+4C>G on transcript NM_000883.4 (MANE Select); 4 bases into the intron after coding-DNA position 786, C replaced by G.
Molecular consequence: intron variant.
Genome position (GRCh38, 1-based): chr7:128,400,329, G>C on the plus strand (C>G on the coding strand, the complement: IMPDH1 is on the minus strand). VCF-style: chr7-128400329-G-C. GRCh37 (hg19) VCF-style: chr7-128040383-G-C.
Other names: c.579+4C>G (NM_001304521.2); c.678+4C>G (NM_183243.3); c.756+4C>G (NM_001102605.2); c.687+4C>G (NM_001142576.2); c.456+4C>G (NM_001142575.2); c.516+4C>G (NM_001142574.2); c.531+4C>G (NM_001142573.2).
Identifiers: ClinVar variation 3666247 (VCV003666247.2).